The following is an entry in ClinVar:

NM_001081.4(CUBN):c.1210T>G (p.Cys404Gly)

Gene: CUBN (cubilin; minus strand). Cytogenetic location: 10p13.
Variant type: single nucleotide variant.
Coding change: c.1210T>G on transcript NM_001081.4 (MANE Select); coding-DNA position 1210, T replaced by G.
Protein change: p.Cys404Gly; replaces cysteine 404 with glycine.
Molecular consequence: missense variant.
Genome position (GRCh38, 1-based): chr10:17,105,477, A>C on the plus strand (T>G on the coding strand, the complement: CUBN is on the minus strand). VCF-style: chr10-17105477-A-C. GRCh37 (hg19) VCF-style: chr10-17147476-A-C.
Other names: short protein forms C404G.
Identifiers: ClinVar variation 1353892 (VCV001353892.8), dbSNP rs2131302341, ClinGen allele CA376163091.

ClinVar aggregate classification (germline): Uncertain significance (1 of 4 stars; one submission).

Conditions:
Imerslund-Grasbeck syndrome. Also called: ENTEROCYTE COBALAMIN MALABSORPTION; ENTEROCYTE INTRINSIC FACTOR RECEPTOR, DEFECT OF; Megaloblastic anemia due to inborn errors of metabolism; Imerslund-Gräsbeck syndrome; PERNICIOUS ANEMIA, JUVENILE, DUE TO SELECTIVE INTESTINAL MALABSORPTION OF VITAMIN B12, WITH PROTEINURIA. Identifiers: Orphanet 35858, MedGen C4551825, MONDO:0009853.

Submission:

Labcorp Genetics (formerly Invitae), Labcorp
Classification: Uncertain significance for Imerslund-Grasbeck syndrome. Last evaluated: 2021-12-02. Review status: criteria provided, single submitter. Criteria: Invitae Variant Classification Sherloc (09022015). Collection method: clinical testing. Allele origin: germline.
Comment: This sequence change replaces cysteine, which is neutral and slightly polar, with glycine, which is neutral and non-polar, at codon 404 of the CUBN protein (p.Cys404Gly). This variant is not present in population databases (gnomAD no frequency). This variant has not been reported in the literature in individuals affected with CUBN-related conditions. Algorithms developed to predict the effect of missense changes on protein structure and function are either unavailable or do not agree on the potential impact of this missense change (SIFT: "Deleterious"; PolyPhen-2: "Probably Damaging"; Align-GVGD: "Class C0"). In summary, the available evidence is currently insufficient to determine the role of this variant in disease. Therefore, it has been classified as a Variant of Uncertain Significance.